The following is an entry in ClinVar:

NM_001244710.2(GFPT1):c.1412C>T (p.Ser471Phe)

Gene: GFPT1 (glutamine--fructose-6-phosphate transaminase 1; minus strand). Cytogenetic location: 2p13.3.
Variant type: single nucleotide variant.
Coding change: c.1412C>T on transcript NM_001244710.2 (MANE Select); coding-DNA position 1412, C replaced by T.
Protein change: p.Ser471Phe; replaces serine 471 with phenylalanine.
Molecular consequence: missense variant.
Genome position (GRCh38, 1-based): chr2:69,337,968, G>A on the plus strand (C>T on the coding strand, the complement: GFPT1 is on the minus strand). VCF-style: chr2-69337968-G-A. GRCh37 (hg19) VCF-style: chr2-69565100-G-A.
Other names: c.1358C>T, p.Ser453Phe (NM_002056.4); short protein forms S453F, S471F.
Identifiers: ClinVar variation 1007914 (VCV001007914.10), dbSNP rs1670840972, ClinGen allele CA347124134.
Genomic context (GRCh38, chr2:69,337,968, plus strand): 5'-GCCACACCAATCTCAGGACCAGCATTAATATGAACTCCACAATCTGTCTCCCGTGATATG[G>A]AACTGCCAACTGTGTTTGTGATCCCCACAGTTAAAGCTCCTCTCTCCTTACAGTAACGAA-3'
Protein context (NP_001231639.1, residues 461-481): TVGITNTVGS[Ser471Phe]ISRETDCGVH

ClinVar aggregate classification (germline): Uncertain significance (1 of 4 stars; one submission).

Conditions:
Congenital myasthenic syndrome 12 (CMS12). Also called: MYASTHENIC SYNDROME, CONGENITAL, WITH TUBULAR AGGREGATES 1; Myasthenia, congenital, 12, with tubular aggregates. Identifiers: Orphanet 353327, Orphanet 590, MedGen C3552335, MONDO:0012518, OMIM 610542.

Submission:

Labcorp Genetics (formerly Invitae), Labcorp
Classification: Uncertain significance for Congenital myasthenic syndrome 12. Last evaluated: 2022-02-24. Review status: criteria provided, single submitter. Criteria: Invitae Variant Classification Sherloc (09022015). Collection method: clinical testing. Allele origin: germline.
Comment: In summary, the available evidence is currently insufficient to determine the role of this variant in disease. Therefore, it has been classified as a Variant of Uncertain Significance. Algorithms developed to predict the effect of missense changes on protein structure and function are either unavailable or do not agree on the potential impact of this missense change (SIFT: "Deleterious"; PolyPhen-2: "Probably Damaging"; Align-GVGD: "Class C0"). ClinVar contains an entry for this variant (Variation ID: 1007914). This variant has not been reported in the literature in individuals affected with GFPT1-related conditions. This variant is not present in population databases (gnomAD no frequency). This sequence change replaces serine, which is neutral and polar, with phenylalanine, which is neutral and non-polar, at codon 471 of the GFPT1 protein (p.Ser471Phe).